The following is an entry in ClinVar:

ClinVar aggregate classification (germline): Uncertain significance (1 of 4 stars; one submission).

Submission:

Women's Health and Genetics/Laboratory Corporation of America, LabCorp
Classification: Uncertain significance. Last evaluated: 2026-04-03. Review status: criteria provided, single submitter. Criteria: LabCorp Variant Classification Summary - May 2015. Collection method: clinical testing. Allele origin: germline.
Comment: Variant summary: KMT2C c.10511C>T (p.Thr3504Ile) results in a non-conservative amino acid change in the encoded protein sequence. Algorithms developed to predict the effect of missense changes on protein structure and function are either unavailable or do not agree on the potential impact of this missense change. The variant was absent in 251492 control chromosomes. The available data on variant occurrences in the general population are insufficient to allow any conclusion about variant significance. To our knowledge, no occurrence of c.10511C>T in individuals affected with KMT2C-related conditions and no experimental evidence demonstrating its impact on protein function have been reported. No submitters have cited clinical-significance assessments for this variant to ClinVar. Based on the evidence outlined above, the variant was classified as uncertain significance.

NM_170606.3(KMT2C):c.10511C>T (p.Thr3504Ile)

Gene: KMT2C (lysine methyltransferase 2C; minus strand). Cytogenetic location: 7q36.1.
Variant type: single nucleotide variant.
Coding change: c.10511C>T on transcript NM_170606.3 (MANE Select); coding-DNA position 10511, C replaced by T.
Protein change: p.Thr3504Ile; replaces threonine 3504 with isoleucine.
Molecular consequence: missense variant.
Genome position (GRCh38, 1-based): chr7:152,163,066, G>A on the plus strand (C>T on the coding strand, the complement: KMT2C is on the minus strand). VCF-style: chr7-152163066-G-A. GRCh37 (hg19) VCF-style: chr7-151860151-G-A.
Other names: short protein forms T3504I.
Identifiers: ClinVar variation 4848920 (VCV004848920.1).